The following is an entry in ClinVar:

ClinVar aggregate classification (germline): Pathogenic (1 of 4 stars; one submission).

Conditions:
Primary ciliary dyskinesia. Also called: Ciliary dyskinesia. Identifiers: Orphanet 244, MedGen C0008780, MONDO:0016575, HP:0012265.

Submission:

Labcorp Genetics (formerly Invitae), Labcorp
Classification: Pathogenic for Primary ciliary dyskinesia. Last evaluated: 2025-04-14. Review status: criteria provided, single submitter. Criteria: Invitae Variant Classification Sherloc (09022015). Collection method: clinical testing. Allele origin: germline.
Comment: This sequence change creates a premature translational stop signal (p.Glu175Argfs*5) in the RSPH4A gene. It is expected to result in an absent or disrupted protein product. Loss-of-function variants in RSPH4A are known to be pathogenic (PMID: 19200523). This variant is not present in population databases (gnomAD no frequency). This variant has not been reported in the literature in individuals affected with RSPH4A-related conditions. ClinVar contains an entry for this variant (Variation ID: 580401). For these reasons, this variant has been classified as Pathogenic.

Literature cited by the submitters: PubMed 19200523.

NM_001010892.3(RSPH4A):c.522dup (p.Glu175fs)

Gene: RSPH4A (radial spoke head component 4A; plus strand). Cytogenetic location: 6q22.1.
Variant type: Duplication.
Coding change: c.522dup on transcript NM_001010892.3 (MANE Select); coding-DNA position 522, one base duplicated (A; older notation c.522dupA).
Protein change: p.Glu175fs; shifts the reading frame from glutamic acid 175.
Molecular consequence: frameshift variant.
Genome position (GRCh38, 1-based): chr6:116,617,145, A duplicated; the last of 3 consecutive A bases (chr6:116,617,143-116,617,145); duplicating any one gives the same sequence. VCF-style (leftmost placement, unchanged base first): chr6-116617142-G-GA. GRCh37 (hg19) VCF-style: chr6-116938305-G-GA.
Other names: c.522dup, p.Glu175fs (NM_001161664.2); c.522dupA (NM_001010892.2); short protein forms E175fs.
Identifiers: ClinVar variation 580401 (VCV000580401.7), dbSNP rs1444391928, ClinGen allele CA891842989.